The following is an entry in ClinVar:

ClinVar aggregate classification (germline): Uncertain significance. Review status: criteria provided, single submitter (1 of 4 stars). 2 submissions from 2 submitters: Uncertain significance (1). 1 of the submissions does not count toward it. Last evaluated 2025-01-05.

Conditions:
DCTN1-related disorder. Also called: DCTN1-related condition.
Amyotrophic lateral sclerosis type 1 (ALS1). Also called: AMYOTROPHIC LATERAL SCLEROSIS 1, FAMILIAL. Identifiers: Orphanet 803, MedGen C1862939, MONDO:0007103, OMIM 105400.
Neuronopathy, distal hereditary motor, type 7B. Also called: HMN VIIB; LOWER MOTOR NEURON DISEASE, DYNACTIN TYPE; Distal Hereditary Motor Neuronopathy Type 7B (dHMN7B); NEURONOPATHY, DISTAL HEREDITARY MOTOR, AUTOSOMAL DOMINANT 14; NEURONOPATHY, DISTAL HEREDITARY MOTOR, HARDING TYPE VIIB; NEUROPATHY, DISTAL HEREDITARY MOTOR, HARDING TYPE VIIB. Identifiers: Orphanet 139589, MedGen C1843315, MONDO:0011879, OMIM 607641.
Perry syndrome. Also called: PARKINSONISM WITH ALVEOLAR HYPOVENTILATION AND MENTAL DEPRESSION. Identifiers: Orphanet 178509, MedGen C1868594, MONDO:0008201, OMIM 168605.

Allele frequency attached by ClinVar (database versions not stated): gnomAD 0.00001; TOPMed 0.00002; ExAC 0.00003.
gnomAD v4.1: 28 of 1,613,734 alleles (0.0017%); highest among the groups gnomAD compares: South Asian, 0.0055%; no homozygotes.

Submissions (2):

Labcorp Genetics (formerly Invitae), Labcorp
Classification: Uncertain significance for Amyotrophic lateral sclerosis type 1; Neuronopathy, distal hereditary motor, type 7B; Perry syndrome. Last evaluated: 2025-01-05. Review status: criteria provided, single submitter. Criteria: Invitae Variant Classification Sherloc (09022015). Collection method: clinical testing. Allele origin: germline.
Comment: This sequence change replaces arginine, which is basic and polar, with histidine, which is basic and polar, at codon 1150 of the DCTN1 protein (p.Arg1150His). This variant is present in population databases (rs771822061, gnomAD 0.004%). This variant has not been reported in the literature in individuals affected with DCTN1-related conditions. ClinVar contains an entry for this variant (Variation ID: 536158). Invitae Evidence Modeling of protein sequence and biophysical properties (such as structural, functional, and spatial information, amino acid conservation, physicochemical variation, residue mobility, and thermodynamic stability) indicates that this missense variant is not expected to disrupt DCTN1 protein function with a negative predictive value of 95%. In summary, the available evidence is currently insufficient to determine the role of this variant in disease. Therefore, it has been classified as a Variant of Uncertain Significance.

PreventionGenetics, part of Exact Sciences
Classification: Uncertain significance for DCTN1-related condition. Last evaluated: 2024-03-27. Review status: no assertion criteria provided. Collection method: clinical testing. Allele origin: germline. Not counted in ClinVar's aggregate classification.
Comment: The DCTN1 c.3449G>A variant is predicted to result in the amino acid substitution p.Arg1150His. To our knowledge, this variant has not been reported in the literature. This variant is reported in 0.0040% of alleles in individuals of European (Finnish) descent in gnomAD. At this time, the clinical significance of this variant is uncertain due to the absence of conclusive functional and genetic evidence.

NM_004082.5(DCTN1):c.3449G>A (p.Arg1150His)

Gene: DCTN1 (dynactin subunit 1; minus strand). Cytogenetic location: 2p13.1.
Variant type: single nucleotide variant.
Coding change: c.3449G>A on transcript NM_004082.5 (MANE Select); coding-DNA position 3449, G replaced by A.
Protein change: p.Arg1150His; replaces arginine 1150 with histidine.
Molecular consequence: missense variant. On other transcripts: non-coding transcript variant (1).
Genome position (GRCh38, 1-based): chr2:74,363,074, C>T on the plus strand (G>A on the coding strand, the complement: DCTN1 is on the minus strand). VCF-style: chr2-74363074-C-T. GRCh37 (hg19) VCF-style: chr2-74590201-C-T.
Other names: c.3374G>A, p.Arg1125His (NM_001135040.3); c.3032G>A, p.Arg1011His (NM_001135041.3); c.3323G>A, p.Arg1108His (NM_001190836.2); c.3428G>A, p.Arg1143His (NM_001190837.2); c.3398G>A, p.Arg1133His (NM_001378991.1); c.3380G>A, p.Arg1127His (NM_001378992.1); c.3047G>A, p.Arg1016His (NM_023019.4); short protein forms R1016H, R1108H, R1150H, R1143H, R1011H, R1125H, R1127H, R1133H.
Identifiers: ClinVar variation 536158 (VCV000536158.12), dbSNP rs771822061, ClinGen allele CA1721484.